The following is an entry in ClinVar:

NM_000053.4(ATP7B):c.2912C>T (p.Ala971Val)

Gene: ATP7B (ATPase copper transporting beta; minus strand). Cytogenetic location: 13q14.3.
Variant type: single nucleotide variant.
Coding change: c.2912C>T on transcript NM_000053.4 (MANE Select); coding-DNA position 2912, C replaced by T.
Protein change: p.Ala971Val; replaces alanine 971 with valine.
Molecular consequence: missense variant. On other transcripts: intron variant (6).
Genome position (GRCh38, 1-based): chr13:51,946,432, G>A on the plus strand (C>T on the coding strand, the complement: ATP7B is on the minus strand). VCF-style: chr13-51946432-G-A. GRCh37 (hg19) VCF-style: chr13-52520568-G-A.
Other names: c.2291C>T, p.Ala764Val (NM_001005918.3); c.2579C>T, p.Ala860Val (NM_001243182.2); c.2678C>T, p.Ala893Val (NM_001330578.2, NM_001406527.1, NM_001406528.1 and 1 more transcripts); c.2660C>T, p.Ala887Val (NM_001330579.2, NM_001406531.1, NM_001406532.1); c.2768C>T, p.Ala923Val (NM_001406521.1, NM_001406522.1, NM_001406520.1); c.2912C>T, p.Ala971Val (NM_001406523.1, NM_001406526.1, NM_001406511.1 and 2 more transcripts); c.2735C>T, p.Ala912Val (NM_001406524.1); c.2672C>T, p.Ala891Val (NM_001406530.1); and 18 more; short protein forms A541V, A755V, A764V, A777V, A809V, A828V, A855V, A860V.
Identifiers: ClinVar variation 3071589 (VCV003071589.3), dbSNP rs770340441, ClinGen allele CA6988866.
Genomic context (GRCh38, chr13:51,946,432, plus strand): 5'-GTGGCCAGCCCCAGGGAGCAGGGGCAGGCAATGCACAGCACCGTGATGGACGTCTGGAAA[G>A]CAAACCGGATGATCACCTCTGTCTGGGAGATGTGCTTGTTGGGGTTCTGAAAACAGGACA-3'
Protein context (NP_000044.2, residues 961-981): ISQTEVIIRF[Ala971Val]FQTSITVLCI

ClinVar aggregate classification (germline): Uncertain significance. Review status: criteria provided, multiple submitters, no conflicts (2 of 4 stars). 3 submissions from 3 submitters: Uncertain significance (3). Last evaluated 2025-07-08.

Conditions:
Wilson disease (WND). Also called: Wilson's disease. Identifiers: Orphanet 905, MedGen C0019202, MONDO:0010200, OMIM 277900. Disease mechanism: loss of function.

Allele frequency attached by ClinVar (database versions not stated): gnomAD 0.00001; TOPMed 0.00001.
gnomAD v4.1: 19 of 1,614,106 alleles (0.0012%); highest among the groups gnomAD compares: African/African-American, 0.0027%; no homozygotes.

Submissions (3):

Color Diagnostics, LLC DBA Color Health
Classification: Uncertain significance for Wilson disease. Last evaluated: 2025-07-08. Review status: criteria provided, single submitter. Criteria: ACMG Guidelines, 2015. Collection method: clinical testing. Allele origin: germline.
Comment: This missense variant replaces alanine with valine at codon 971 of the ATP7B protein. Computational prediction suggests that this variant may have deleterious impact on protein structure and function. To our knowledge, functional studies have not been reported for this variant. This variant has been reported in an individual affected with Wilson disease (PMID: 18373411). This variant has been identified in 2/249472 chromosomes in the general population by the Genome Aggregation Database (gnomAD). The available evidence is insufficient to determine the role of this variant in disease conclusively. Therefore, this variant is classified as a Variant of Uncertain Significance.

Revvity Omics, Revvity
Classification: Uncertain significance for Wilson disease. Last evaluated: 2024-06-19. Review status: criteria provided, single submitter. Criteria: ACMG Guidelines, 2015. Collection method: clinical testing. Allele origin: germline.

All of Us Research Program, National Institutes of Health
Classification: Uncertain significance for Wilson disease. Last evaluated: 2024-02-05. Review status: criteria provided, single submitter. Criteria: ACMG Guidelines, 2015. Collection method: clinical testing. Allele origin: germline. Inheritance: Autosomal recessive inheritance. Observed: 2 variant alleles, 2 heterozygotes.
Comment: This missense variant replaces alanine with valine at codon 971 of the ATP7B protein. Computational prediction suggests that this variant may have deleterious impact on protein structure and function (internally defined REVEL score threshold >= 0.7, PMID: 27666373). To our knowledge, functional studies have not been reported for this variant. This variant has been reported in an individual affected with Wilson disease (PMID: 18373411). This variant has been identified in 2/249472 chromosomes in the general population by the Genome Aggregation Database (gnomAD). The available evidence is insufficient to determine the role of this variant in disease conclusively. Therefore, this variant is classified as a Variant of Uncertain Significance.

This study involves interpretation of variants in research participants for the purpose of population health screening. Participant phenotype was not available at the time of variant classification. Additional details can be found in publication PMID: 35346344, PMCID: PMC8962531

Literature cited by the submitters: PubMed 18373411 (cited by Color Diagnostics, LLC DBA Color Health and All of Us Research Program, National Institutes of Health).